The following is an entry in ClinVar:

NM_001363711.2(DUOX2):c.3911G>A (p.Arg1304Gln)

Gene: DUOX2 (dual oxidase 2; minus strand). Cytogenetic location: 15q21.1.
Variant type: single nucleotide variant.
Coding change: c.3911G>A on transcript NM_001363711.2 (MANE Select); coding-DNA position 3911, G replaced by A.
Protein change: p.Arg1304Gln; replaces arginine 1304 with glutamine.
Molecular consequence: missense variant.
Genome position (GRCh38, 1-based): chr15:45,095,997, C>T on the plus strand (G>A on the coding strand, the complement: DUOX2 is on the minus strand). VCF-style: chr15-45095997-C-T. GRCh37 (hg19) VCF-style: chr15-45388195-C-T.
Other names: c.3911G>A, p.Arg1304Gln (NM_014080.5); short protein forms R1304Q.
Identifiers: ClinVar variation 1991097 (VCV001991097.3), dbSNP rs779747989, ClinGen allele CA7537692.

ClinVar aggregate classification (germline): Uncertain significance (1 of 4 stars; one submission).

Allele frequency attached by ClinVar (database versions not stated): gnomAD exomes 0.00002; TOPMed 0.00003; ExAC 0.00004; gnomAD 0.00004.
gnomAD v4.1: 28 of 1,613,962 alleles (0.0017%); highest among the groups gnomAD compares: African/African-American, 0.008%; no homozygotes.

Submission:

Labcorp Genetics (formerly Invitae), Labcorp
Classification: Uncertain significance. Last evaluated: 2024-10-23. Review status: criteria provided, single submitter. Criteria: Invitae Variant Classification Sherloc (09022015). Collection method: clinical testing. Allele origin: germline.
Comment: This sequence change replaces arginine, which is basic and polar, with glutamine, which is neutral and polar, at codon 1304 of the DUOX2 protein (p.Arg1304Gln). This variant is present in population databases (rs779747989, gnomAD 0.02%). This variant has not been reported in the literature in individuals affected with DUOX2-related conditions. ClinVar contains an entry for this variant (Variation ID: 1991097). Invitae Evidence Modeling of protein sequence and biophysical properties (such as structural, functional, and spatial information, amino acid conservation, physicochemical variation, residue mobility, and thermodynamic stability) indicates that this missense variant is expected to disrupt DUOX2 protein function with a positive predictive value of 80%. In summary, the available evidence is currently insufficient to determine the role of this variant in disease. Therefore, it has been classified as a Variant of Uncertain Significance.